The following is an entry in ClinVar:

ClinVar aggregate classification (germline): Likely benign (1 of 4 stars; one submission).

Conditions:
Bardet-Biedl syndrome 1 (BBS1). Identifiers: MedGen C2936862, MONDO:0008854, OMIM 209900. Disease mechanism: loss of function.

Allele frequency attached by ClinVar (database versions not stated): TOPMed 0.00092; gnomAD exomes 0.00193; 1000 Genomes Project 0.00399; gnomAD 0.00057 and 0.00082; 1000 Genomes Project 30x 0.00406.
gnomAD v4.1: 938 of 587,052 alleles (0.16%); highest among the groups gnomAD compares: East Asian, 2.6%; 16 homozygotes.

Submission:

Illumina Laboratory Services, Illumina
Classification: Likely benign for Bardet-Biedl syndrome 1. Last evaluated: 2017-04-27. Review status: criteria provided, single submitter. Criteria: ICSL Variant Classification Criteria 13 December 2019. Collection method: clinical testing. Allele origin: germline.
Comment: This variant was observed as part of a predisposition screen in an ostensibly healthy population. A literature search was performed for the gene, cDNA change, and amino acid change (where applicable). No publications were found based on this search. Allele frequency data from public databases allowed determination this variant is unlikely to cause disease. Therefore, this variant is classified as likely benign.

NM_024649.5(BBS1):c.*219A>G

Genes: BBS1 (Bardet-Biedl syndrome 1; plus strand), ZDHHC24 (zDHHC palmitoyltransferase 24; minus strand). Cytogenetic location: 11q13.2.
Variant type: single nucleotide variant.
Coding change: c.*219A>G on transcript NM_024649.5 (MANE Select); 219 bases downstream of the stop codon, A replaced by G.
Molecular consequence: 3 prime UTR variant. On other transcripts: intron variant (1).
Genome position (GRCh38, 1-based): chr11:66,532,256, A>G. VCF-style: chr11-66532256-A-G. GRCh37 (hg19) VCF-style: chr11-66299727-A-G.
Other names: c.560-2768T>C (NM_001348571.2).
Identifiers: ClinVar variation 877139 (VCV000877139.6), dbSNP rs74451472, ClinGen allele CA224050875.